The following is an entry in ClinVar:

ClinVar aggregate classification (germline): Uncertain significance (1 of 4 stars; one submission).

Conditions:
Severe combined immunodeficiency due to DNA-PKcs deficiency. Also called: IMMUNODEFICIENCY 26 WITH NEUROLOGIC ABNORMALITIES; Immunodeficiency 26 with or without neurologic abnormalities. Identifiers: Orphanet 317425, MedGen C4014833, MONDO:0014423, OMIM 615966.

Submission:

Labcorp Genetics (formerly Invitae), Labcorp
Classification: Uncertain significance for Severe combined immunodeficiency due to DNA-PKcs deficiency. Last evaluated: 2022-02-06. Review status: criteria provided, single submitter. Criteria: Invitae Variant Classification Sherloc (09022015). Collection method: clinical testing. Allele origin: germline.
Comment: In summary, the available evidence is currently insufficient to determine the role of this variant in disease. Therefore, it has been classified as a Variant of Uncertain Significance. Experimental studies and prediction algorithms are not available or were not evaluated, and the functional significance of this variant is currently unknown. This variant has not been reported in the literature in individuals affected with PRKDC-related conditions. This variant is not present in population databases (gnomAD no frequency). This sequence change replaces asparagine, which is neutral and polar, with lysine, which is basic and polar, at codon 2845 of the PRKDC protein (p.Asn2845Lys).

NM_006904.7(PRKDC):c.8535T>A (p.Asn2845Lys)

Gene: PRKDC (protein kinase, DNA-activated, catalytic subunit; minus strand). Cytogenetic location: 8q11.21.
Variant type: single nucleotide variant.
Coding change: c.8535T>A on transcript NM_006904.7 (MANE Select); coding-DNA position 8535, T replaced by A.
Protein change: p.Asn2845Lys; replaces asparagine 2845 with lysine.
Molecular consequence: missense variant.
Genome position (GRCh38, 1-based): chr8:47,828,210, A>T on the plus strand (T>A on the coding strand, the complement: PRKDC is on the minus strand). VCF-style: chr8-47828210-A-T. GRCh37 (hg19) VCF-style: chr8-48740771-A-T.
Other names: c.8535T>A, p.Asn2845Lys (NM_001081640.2); short protein forms N2845K.
Identifiers: ClinVar variation 2094257 (VCV002094257.4), dbSNP rs2087780746, ClinGen allele CA371144377.